The following is an entry in ClinVar:

NM_001376.5(DYNC1H1):c.1699C>T (p.Arg567Cys)

Gene: DYNC1H1 (dynein cytoplasmic 1 heavy chain 1; plus strand). Cytogenetic location: 14q32.31.
Variant type: single nucleotide variant.
Coding change: c.1699C>T on transcript NM_001376.5 (MANE Select); coding-DNA position 1699, C replaced by T.
Protein change: p.Arg567Cys; replaces arginine 567 with cysteine.
Molecular consequence: missense variant.
Genome position (GRCh38, 1-based): chr14:101,985,924, C>T. VCF-style: chr14-101985924-C-T. GRCh37 (hg19) VCF-style: chr14-102452261-C-T.
Other names: short protein forms R567C.
Identifiers: ClinVar variation 2902675 (VCV002902675.3), dbSNP rs2503693599, ClinGen allele CA391019045.
Genomic context (GRCh38, chr14:101,985,924, plus strand): 5'-GAGGCTGCTATGAAGAGGTACGATGAGAGGATCGACAGAGTGGAGACCCGGATCACCGCT[C>T]GCCTTCGGGATCAGCTTGGCACAGCCAAGAATGCCAACGAGATGTTTAGGATTTTCTCCA-3'
Protein context (NP_001367.2, residues 557-577): IDRVETRITA[Arg567Cys]LRDQLGTAKN

ClinVar aggregate classification (germline): Uncertain significance (1 of 4 stars; one submission).

Conditions:
Charcot-Marie-Tooth disease axonal type 2O. Also called: CHARCOT-MARIE-TOOTH NEUROPATHY, AXONAL, TYPE 2O; CHARCOT-MARIE-TOOTH DISEASE, AXONAL, AUTOSOMAL DOMINANT, TYPE 2O; Charcot-Marie-Tooth Neuropathy Type 2O; Charcot-Marie-Tooth disease, axonal, type 20. Identifiers: Orphanet 284232, MedGen C3280220, MONDO:0013644, OMIM 614228.

Allele frequency attached by ClinVar (database versions not stated): gnomAD exomes below 0.00001.
gnomAD v4.1: 1 of 1,614,196 alleles (0.000062%); highest among the groups gnomAD compares: South Asian, 0.0011%; no homozygotes.

Submission:

Labcorp Genetics (formerly Invitae), Labcorp
Classification: Uncertain significance for Charcot-Marie-Tooth disease axonal type 2O. Last evaluated: 2025-08-20. Review status: criteria provided, single submitter. Criteria: Invitae Variant Classification Sherloc (09022015). Collection method: clinical testing. Allele origin: germline.
Comment: This sequence change replaces arginine, which is basic and polar, with cysteine, which is neutral and slightly polar, at codon 567 of the DYNC1H1 protein (p.Arg567Cys). This variant is not present in population databases (gnomAD no frequency). This variant has not been reported in the literature in individuals affected with DYNC1H1-related conditions. ClinVar contains an entry for this variant (Variation ID: 2902675). Invitae Evidence Modeling of protein sequence and biophysical properties (such as structural, functional, and spatial information, amino acid conservation, physicochemical variation, residue mobility, and thermodynamic stability) indicates that this missense variant is expected to disrupt DYNC1H1 protein function with a positive predictive value of 95%. In summary, the available evidence is currently insufficient to determine the role of this variant in disease. Therefore, it has been classified as a Variant of Uncertain Significance.